The following is an entry in ClinVar:

ClinVar aggregate classification (germline): Uncertain significance (1 of 4 stars; one submission).

Submission:

Labcorp Genetics (formerly Invitae), Labcorp
Classification: Uncertain significance. Last evaluated: 2025-09-16. Review status: criteria provided, single submitter. Criteria: Invitae Variant Classification Sherloc (09022015). Collection method: clinical testing. Allele origin: germline.
Comment: This sequence change replaces serine, which is neutral and polar, with glycine, which is neutral and non-polar, at codon 1814 of the RTTN protein (p.Ser1814Gly). This variant is not present in population databases (gnomAD no frequency). This variant has not been reported in the literature in individuals affected with RTTN-related conditions. An algorithm developed to predict the effect of missense changes on protein structure and function outputs the following: PolyPhen-2: "Benign". The glycine amino acid residue is found in multiple mammalian species, which suggests that this missense change does not adversely affect protein function. In summary, the available evidence is currently insufficient to determine the role of this variant in disease. Therefore, it has been classified as a Variant of Uncertain Significance.

NM_173630.4(RTTN):c.5440A>G (p.Ser1814Gly)

Genes: RTTN (rotatin; minus strand), LOC126862785 (MED14-independent group 3 enhancer GRCh37_chr18:67714790-67715989; plus strand). Cytogenetic location: 18q22.2.
Variant type: single nucleotide variant.
Coding change: c.5440A>G on transcript NM_173630.4 (MANE Select); coding-DNA position 5440, A replaced by G.
Protein change: p.Ser1814Gly; replaces serine 1814 with glycine.
Molecular consequence: missense variant.
Genome position (GRCh38, 1-based): chr18:70,048,072, T>C on the plus strand (A>G on the coding strand, the complement: RTTN is on the minus strand). VCF-style: chr18-70048072-T-C. GRCh37 (hg19) VCF-style: chr18-67715308-T-C.
Other names: c.2704A>G, p.Ser902Gly (NM_001318520.2); short protein forms S1814G, S902G.
Identifiers: ClinVar variation 4726846 (VCV004726846.1).